The following is an entry in ClinVar:

NM_004826.4(ECEL1):c.1303C>T (p.Gln435Ter)

Gene: ECEL1 (endothelin converting enzyme like 1; minus strand). Cytogenetic location: 2q37.1.
Variant type: single nucleotide variant.
Coding change: c.1303C>T on transcript NM_004826.4 (MANE Select); coding-DNA position 1303, C replaced by T.
Protein change: p.Gln435Ter; replaces glutamine 435 with a stop codon.
Molecular consequence: nonsense.
Genome position (GRCh38, 1-based): chr2:232,484,105, G>A on the plus strand (C>T on the coding strand, the complement: ECEL1 is on the minus strand). VCF-style: chr2-232484105-G-A. GRCh37 (hg19) VCF-style: chr2-233348815-G-A.
Other names: c.1303C>T, p.Gln435Ter (NM_001290787.2); short protein forms Q435*.
Identifiers: ClinVar variation 3779602 (VCV003779602.3).

ClinVar aggregate classification (germline): Pathogenic/Likely pathogenic. Review status: criteria provided, multiple submitters, no conflicts (2 of 4 stars). 3 submissions from 3 submitters: Pathogenic (1); Likely pathogenic (2). Last evaluated 2025-03-12.

Conditions:
ECEL1-related disorders.
Distal arthrogryposis type 5D (DA5D). Identifiers: Orphanet 329457, MedGen C3554415, MONDO:0014028, OMIM 615065.

gnomAD v4.1: 14 of 1,613,804 alleles (0.00087%); highest among the groups gnomAD compares: Non-Finnish European, 0.0011%; no homozygotes.

Submissions (3):

Dasa
Classification: Pathogenic. Last evaluated: 2025-03-12. Review status: criteria provided, single submitter. Criteria: DASA Assertion Criteria. Collection method: clinical testing. Allele origin: germline.
Comment: NM_004826.4(ECEL1):c.1303C>T (p.Gln435*) introduces a premature termination codon predicted to result in loss of normal protein function. Loss-of-function is an established mechanism of disease for this gene. This variant has been observed in affected individuals with related phenotype in a genotype context consistent with recessive disease. The variant is present at low frequency in population datasets. Based on the available data, this variant is classified as pathogenic.

Department of Pathology and Laboratory Medicine, Sinai Health System
Classification: Likely pathogenic for Distal arthrogryposis type 5D. Last evaluated: 2023-02-26. Review status: criteria provided, single submitter. Criteria: ACMG Guidelines, 2015. Collection method: research. Allele origin: germline.

Blueprint Genetics
Classification: Likely pathogenic for ECEL1-related disorders. Last evaluated: 2022-09-16. Review status: criteria provided, single submitter. Criteria: ACMG Guidelines, 2015. Collection method: clinical testing. Allele origin: germline. Affected: yes. Observed: 2 variant alleles.